The following is an entry in ClinVar:

NM_014491.4(FOXP2):c.*998A>G

Gene: FOXP2 (forkhead box P2; plus strand). Cytogenetic location: 7q31.1.
Variant type: single nucleotide variant.
Coding change: c.*998A>G on transcript NM_014491.4 (MANE Select); 998 bases downstream of the stop codon, A replaced by G.
Molecular consequence: 3 prime UTR variant. On other transcripts: non-coding transcript variant (2).
Genome position (GRCh38, 1-based): chr7:114,690,924, A>G. VCF-style: chr7-114690924-A-G. GRCh37 (hg19) VCF-style: chr7-114330979-A-G.
Other names: c.*998A>G (NM_001172766.3, NM_148898.4, NM_148900.4).
Identifiers: ClinVar variation 909772 (VCV000909772.4), dbSNP rs181206486, ClinGen allele CA4446397.
Genomic context (GRCh38, chr7:114,690,924, plus strand): 5'-GTTTTCTGATGACCTCTGGGATCTTTTCATTTAGCCCTAAACAAAGAAACAAATATGACA[A>G]AAACCACAACTAAAAAATGTTAATTCAGTCACAGAGTAATCTTCTGAGGCCAAAAGTCCA-3'

ClinVar aggregate classification (germline): Benign (1 of 4 stars; one submission).

Conditions:
Childhood apraxia of speech (SPCH1). Also called: FOXP2-Related Speech and Language Disorder; DEVELOPMENTAL VERBAL DYSPRAXIA; SPEECH AND LANGUAGE DISORDER WITH OROFACIAL DYSPRAXIA; Speech language disorder. Identifiers: Orphanet 209908, MedGen C0750927, MONDO:0011184, OMIM 602081.

Allele frequency attached by ClinVar (database versions not stated): gnomAD exomes 0.00019 and 0.00030; ExAC 0.00033; gnomAD 0.00127 and 0.00136; TOPMed 0.00160; 1000 Genomes Project 0.00220; 1000 Genomes Project 30x 0.00265.
gnomAD v4.1: 251 of 454,490 alleles (0.055%); highest among the groups gnomAD compares: African/African-American, 0.45%; no homozygotes.

Submission:

Illumina Laboratory Services, Illumina
Classification: Benign for Childhood apraxia of speech. Last evaluated: 2018-01-12. Review status: criteria provided, single submitter. Criteria: ICSL Variant Classification Criteria 13 December 2019. Collection method: clinical testing. Allele origin: germline.
Comment: This variant was observed in the ICSL laboratory as part of a predisposition screen in an ostensibly healthy population. It had not been previously curated by ICSL or reported in the Human Gene Mutation Database (HGMD: prior to June 1st, 2018), and was therefore a candidate for classification through an automated scoring system. Utilizing variant allele frequency, disease prevalence and penetrance estimates, and inheritance mode, an automated score was calculated to assess if this variant is too frequent to cause the disease. Based on the score and internal cut-off values, a variant classified as benign is not then subjected to further curation. The score for this variant resulted in a classification of benign for this disease.